The following is an entry in ClinVar:

NM_006206.6(PDGFRA):c.1950C>T (p.His650=)

Gene: PDGFRA (platelet derived growth factor receptor alpha; plus strand). Cytogenetic location: 4q12.
Variant type: single nucleotide variant.
Coding change: c.1950C>T on transcript NM_006206.6 (MANE Select); coding-DNA position 1950, C replaced by T.
Protein change: p.His650=; no amino-acid change (histidine 650 retained).
Molecular consequence: synonymous variant.
Genome position (GRCh38, 1-based): chr4:54,277,954, C>T. VCF-style: chr4-54277954-C-T. GRCh37 (hg19) VCF-style: chr4-55144121-C-T.
Other names: c.1950C>T, p.His650= (NM_001347827.2, NM_001347829.2); c.2025C>T, p.His675= (NM_001347828.2); c.1989C>T, p.His663= (NM_001347830.2).
Identifiers: ClinVar variation 459034 (VCV000459034.14), dbSNP rs1553904887, ClinGen allele CA439287377.
Genomic context (GRCh38, chr4:54,277,954, plus strand): 5'-AGCCACGGCCAGATCCAGTGAAAAACAAGCTCTCATGTCTGAACTGAAGATAATGACTCA[C>T]CTGGGGCCACATTTGAACATTGTAAACTTGCTGGGAGCCTGCACCAAGTCAGGTGGGCTC-3'
Protein context (NP_006197.1, residues 640-660): ALMSELKIMT[His650=]LGPHLNIVNL

ClinVar aggregate classification (germline): Benign/Likely benign. Review status: criteria provided, multiple submitters, no conflicts (2 of 4 stars). 3 submissions from 3 submitters: Benign (1); Likely benign (2). Last evaluated 2026-06-17.

Conditions:
Polyps, multiple and recurrent inflammatory fibroid, gastrointestinal. Identifiers: MedGen C5193005, MONDO:0008285, OMIM 175510.
Hereditary cancer-predisposing syndrome. Also called: Tumor predisposition; Hereditary neoplastic syndrome; Neoplastic Syndromes, Hereditary; Hereditary Cancer Syndrome. Identifiers: Orphanet 140162, MedGen C0027672, MeSH D009386, MONDO:0015356.
Gastrointestinal stromal tumor. Also called: Gastrointestinal stroma tumor; Gastrointestinal stromal tumor, somatic. Identifiers: Orphanet 44890, MedGen C0238198, MeSH D046152, MONDO:0011719, OMIM 606764, HP:0100723.

gnomAD v4.1: 1 of 1,613,866 alleles (0.000062%); no homozygotes.

Submissions (3):

Myriad Genetics, Inc.
Classification: Benign for Polyps, multiple and recurrent inflammatory fibroid, gastrointestinal. Last evaluated: 2026-06-17. Review status: criteria provided, single submitter. Criteria: Myriad Autosomal Dominant, Autosomal Recessive and X-Linked Classification Criteria (2023). Collection method: clinical testing. Allele origin: unknown.
Comment: This variant is considered benign. This variant is a silent/synonymous amino acid change and it is not expected to impact splicing.

Labcorp Genetics (formerly Invitae), Labcorp
Classification: Likely benign for Gastrointestinal stromal tumor. Last evaluated: 2025-04-23. Review status: criteria provided, single submitter. Criteria: Invitae Variant Classification Sherloc (09022015). Collection method: clinical testing. Allele origin: germline.

Ambry Genetics
Classification: Likely benign for Hereditary cancer-predisposing syndrome. Last evaluated: 2020-07-11. Review status: criteria provided, single submitter. Criteria: Ambry Variant Classification Scheme 2023. Collection method: clinical testing. Allele origin: germline.